The following is an entry in ClinVar:

NM_003850.3(SUCLA2):c.473G>A (p.Cys158Tyr)

Gene: SUCLA2 (succinate-CoA ligase ADP-forming subunit beta; minus strand). Cytogenetic location: 13q14.2.
Variant type: single nucleotide variant.
Coding change: c.473G>A on transcript NM_003850.3 (MANE Select); coding-DNA position 473, G replaced by A.
Protein change: p.Cys158Tyr; replaces cysteine 158 with tyrosine.
Molecular consequence: missense variant.
Genome position (GRCh38, 1-based): chr13:47,988,602, C>T on the plus strand (G>A on the coding strand, the complement: SUCLA2 is on the minus strand). VCF-style: chr13-47988602-C-T. GRCh37 (hg19) VCF-style: chr13-48562737-C-T.
Other names: short protein forms C158Y.
Identifiers: ClinVar variation 1183196 (VCV001183196.9), dbSNP rs996879938, ClinGen allele CA249276929.

ClinVar aggregate classification (germline): Uncertain significance. Review status: criteria provided, multiple submitters, no conflicts (2 of 4 stars). 3 submissions from 3 submitters: Uncertain significance (3). Last evaluated 2024-11-20.

Conditions:
Inborn genetic diseases. Identifiers: MedGen C0950123, MeSH D030342.
Mitochondrial DNA depletion syndrome, encephalomyopathic form with methylmalonic aciduria (MTDPS5). Also called: MITOCHONDRIAL DNA DEPLETION SYNDROME, ENCEPHALOMYOPATHIC FORM, WITH OR WITHOUT METHYLMALONIC ACIDURIA, AUTOSOMAL RECESSIVE, SUCLA2-RELATED; Mitochondrial DNA depletion syndrome 5 (encephalomyopathic with or without methylmalonic aciduria); SUCLA2-Related Mitochondrial DNA Depletion Syndrome, Encephalomyopathic Form with Methylmalonic Aciduria; Mitochondrial encephalomyopathy aminoacidopathy. Identifiers: Orphanet 1933, MedGen C5980207, MONDO:0012791, OMIM 612073.

Allele frequency attached by ClinVar (database versions not stated): gnomAD exomes 0.00001; gnomAD 0.00013 and 0.00015; TOPMed 0.00021.
gnomAD v4.1: 30 of 1,613,818 alleles (0.0019%); highest among the groups gnomAD compares: Admixed American, 0.042%; no homozygotes.

Submissions (3):

Ambry Genetics
Classification: Uncertain significance for Inborn genetic diseases. Last evaluated: 2024-11-20. Review status: criteria provided, single submitter. Criteria: Ambry Variant Classification Scheme 2023. Collection method: clinical testing. Allele origin: germline.

Labcorp Genetics (formerly Invitae), Labcorp
Classification: Uncertain significance for Mitochondrial DNA depletion syndrome, encephalomyopathic form with methylmalonic aciduria. Last evaluated: 2022-10-13. Review status: criteria provided, single submitter. Criteria: Invitae Variant Classification Sherloc (09022015). Collection method: clinical testing. Allele origin: germline.
Comment: This sequence change replaces cysteine, which is neutral and slightly polar, with tyrosine, which is neutral and polar, at codon 158 of the SUCLA2 protein (p.Cys158Tyr). This variant is not present in population databases (gnomAD no frequency). This variant has not been reported in the literature in individuals affected with SUCLA2-related conditions. ClinVar contains an entry for this variant (Variation ID: 1183196). Advanced modeling of protein sequence and biophysical properties (such as structural, functional, and spatial information, amino acid conservation, physicochemical variation, residue mobility, and thermodynamic stability) performed at Invitae indicates that this missense variant is not expected to disrupt SUCLA2 protein function. In summary, the available evidence is currently insufficient to determine the role of this variant in disease. Therefore, it has been classified as a Variant of Uncertain Significance.

GeneDx
Classification: Uncertain significance. Last evaluated: 2022-04-08. Review status: criteria provided, single submitter. Criteria: GeneDx Variant Classification Process June 2021. Collection method: clinical testing. Allele origin: germline. Affected: yes.
Comment: Not observed at significant frequency in large population cohorts (gnomAD); In silico analysis supports that this missense variant has a deleterious effect on protein structure/function; Has not been previously published as pathogenic or benign to our knowledge